The following is an entry in ClinVar:

NM_025194.3(ITPKC):c.512_513del (p.Gly171fs)

Gene: ITPKC (inositol-trisphosphate 3-kinase C; plus strand). Cytogenetic location: 19q13.2.
Variant type: Deletion.
Coding change: c.512_513del on transcript NM_025194.3 (MANE Select); coding-DNA positions 512 to 513, 2 bases deleted (GG; older notation c.512_513delGG).
Protein change: p.Gly171fs; shifts the reading frame from glycine 171.
Molecular consequence: frameshift variant.
Genome position (GRCh38, 1-based): chr19:40,717,647-40,717,648, GG deleted; deleting any 2 consecutive bases within chr19:40,717,646-40,717,648 gives the same sequence; the c. name uses the placement nearest the transcript's 3' end. VCF-style (leftmost placement, unchanged base first): chr19-40717645-TGG-T. GRCh37 (hg19) VCF-style: chr19-41223550-TGG-T.
Other names: c.512_513del, p.Gly171fs (NM_001411098.1); short protein forms G171fs.
Identifiers: ClinVar variation 2636615 (VCV002636615.1), dbSNP rs774810575, ClinGen allele CA9450664.

ClinVar aggregate classification (germline): Uncertain significance (1 of 4 stars; one submission).

Conditions:
ITPKC-related disorder. Also called: ITPKC-related condition.

Submission:

PreventionGenetics, part of Exact Sciences
Classification: Uncertain significance for ITPKC-related condition. Last evaluated: 2023-04-12. Review status: criteria provided, single submitter. Criteria: ACMG Guidelines, 2015. Collection method: clinical testing. Allele origin: germline.
Comment: The ITPKC c.512_513delGG variant is predicted to result in a frameshift and premature protein termination (p.Gly171Alafs*22). To our knowledge, this variant has not been reported in the literature. This variant is reported in 0.00088% of alleles in individuals of European (Non-Finnish) descent in gnomAD. Of note, not many variants have been reported in the ITPKC gene. At this time, the clinical significance of this variant is uncertain due to the absence of conclusive functional and genetic evidence.